The following is an entry in ClinVar:

ClinVar aggregate classification (germline): Uncertain significance (1 of 4 stars; one submission).

Submission:

GeneDx
Classification: Uncertain significance. Last evaluated: 2022-08-09. Review status: criteria provided, single submitter. Criteria: GeneDx Variant Classification Process June 2021. Collection method: clinical testing. Allele origin: germline. Affected: yes.
Comment: Not observed at significant frequency in large population cohorts (gnomAD); In silico analysis supports that this missense variant does not alter protein structure/function; Has not been previously published as pathogenic or benign to our knowledge

NM_000552.5(VWF):c.2262C>G (p.Ser754Arg)

Gene: VWF (von Willebrand factor; minus strand). Cytogenetic location: 12p13.31.
Variant type: single nucleotide variant.
Coding change: c.2262C>G on transcript NM_000552.5 (MANE Select); coding-DNA position 2262, C replaced by G.
Protein change: p.Ser754Arg; replaces serine 754 with arginine.
Molecular consequence: missense variant.
Genome position (GRCh38, 1-based): chr12:6,046,742, G>C on the plus strand (C>G on the coding strand, the complement: VWF is on the minus strand). VCF-style: chr12-6046742-G-C. GRCh37 (hg19) VCF-style: chr12-6155908-G-C.
Other names: short protein forms S754R.
Identifiers: ClinVar variation 2429518 (VCV002429518.1), dbSNP rs2497198965, ClinGen allele CA383523320.